The following is an entry in ClinVar:

NM_000075.4(CDK4):c.753C>A (p.Pro251=)

Genes: TSPAN31 (tetraspanin 31; plus strand), CDK4 (cyclin dependent kinase 4; minus strand). Cytogenetic location: 12q14.1.
Variant type: single nucleotide variant.
Coding change: c.753C>A on transcript NM_000075.4 (MANE Select); coding-DNA position 753, C replaced by A.
Protein change: p.Pro251=; no amino-acid change (proline 251 retained).
Molecular consequence: synonymous variant. On other transcripts: 3 prime UTR variant (3).
Genome position (GRCh38, 1-based): chr12:57,749,248, G>T on the plus strand (C>A on the coding strand, the complement: CDK4 is on the minus strand). VCF-style: chr12-57749248-G-T. GRCh37 (hg19) VCF-style: chr12-58143031-G-T.
Other names: c.*1958G>T (NM_001330168.2, NM_001330169.2, NM_005981.5).
Identifiers: ClinVar variation 483286 (VCV000483286.17), dbSNP rs757333818, ClinGen allele CA480300105.

ClinVar aggregate classification (germline): Benign/Likely benign. Review status: criteria provided, multiple submitters, no conflicts (2 of 4 stars). 4 submissions from 4 submitters: Benign (1); Likely benign (3). Last evaluated 2024-10-26.

Conditions:
Melanoma, cutaneous malignant, susceptibility to, 3. Also called: Cutaneous malignant melanoma 3. Identifiers: Orphanet 618, MedGen C1836892, MONDO:0012183, OMIM 609048.
Familial melanoma. Also called: Hereditary melanoma; Hereditary cutaneous melanoma. Identifiers: Orphanet 618, MedGen C1512419, MONDO:0018961.
Hereditary cancer-predisposing syndrome. Also called: Neoplastic Syndromes, Hereditary; Tumor predisposition; Hereditary Cancer Syndrome; Hereditary neoplastic syndrome. Identifiers: Orphanet 140162, MedGen C0027672, MeSH D009386, MONDO:0015356.

Allele frequency attached by ClinVar (database versions not stated): TOPMed 0.00002.
gnomAD v4.1: 10 of 1,613,934 alleles (0.00062%); highest among the groups gnomAD compares: African/African-American, 0.0027%; no homozygotes.

Submissions (4):

Labcorp Genetics (formerly Invitae), Labcorp
Classification: Likely benign for Familial melanoma. Last evaluated: 2024-10-26. Review status: criteria provided, single submitter. Criteria: Invitae Variant Classification Sherloc (09022015). Collection method: clinical testing. Allele origin: germline.

Myriad Genetics, Inc.
Classification: Benign for Melanoma, cutaneous malignant, susceptibility to, 3. Last evaluated: 2024-09-26. Review status: criteria provided, single submitter. Criteria: Myriad Autosomal Dominant, Autosomal Recessive and X-Linked Classification Criteria (2023). Collection method: clinical testing. Allele origin: unknown.
Comment: This variant is considered benign. This variant is a silent/synonymous amino acid change and it is not expected to impact splicing.

Quest Diagnostics Nichols Institute San Juan Capistrano
Classification: Likely benign. Last evaluated: 2022-12-08. Review status: criteria provided, single submitter. Criteria: Quest Diagnostics criteria. Collection method: clinical testing. Allele origin: unknown.

Ambry Genetics
Classification: Likely benign for Hereditary cancer-predisposing syndrome. Last evaluated: 2016-02-26. Review status: criteria provided, single submitter. Criteria: Ambry Variant Classification Scheme 2023. Collection method: clinical testing. Allele origin: germline.